The following is an entry in ClinVar:

ClinVar aggregate classification (germline): Uncertain significance (1 of 4 stars; one submission).

Conditions:
Hyper-IgE recurrent infection syndrome 1, autosomal dominant. Also called: STAT3 Hyper IgE Syndrome; Hyper-IgE recurrent infection syndrome 1; JOB SYNDROME; HYPER-IgE SYNDROME 1, AUTOSOMAL DOMINANT, WITH RECURRENT INFECTIONS; Job's Syndrome. Identifiers: Orphanet 2314, MedGen C2936739, MONDO:0007818, OMIM 147060.
STAT3 gain of function. Identifiers: MedGen C4288261.

Allele frequency attached by ClinVar (database versions not stated): gnomAD exomes below 0.00001.
gnomAD v4.1: 2 of 1,614,064 alleles (0.00012%); highest among the groups gnomAD compares: Admixed American, 0.0017%; no homozygotes.

Submission:

Labcorp Genetics (formerly Invitae), Labcorp
Classification: Uncertain significance for STAT3 gain of function; Hyper-IgE recurrent infection syndrome 1, autosomal dominant. Last evaluated: 2023-10-05. Review status: criteria provided, single submitter. Criteria: Invitae Variant Classification Sherloc (09022015). Collection method: clinical testing. Allele origin: germline.
Comment: This sequence change replaces arginine, which is basic and polar, with cysteine, which is neutral and slightly polar, at codon 70 of the STAT3 protein (p.Arg70Cys). This variant is not present in population databases (gnomAD no frequency). This variant has not been reported in the literature in individuals affected with STAT3-related conditions. Advanced modeling of protein sequence and biophysical properties (such as structural, functional, and spatial information, amino acid conservation, physicochemical variation, residue mobility, and thermodynamic stability) has been performed at Invitae for this missense variant, however the output from this modeling did not meet the statistical confidence thresholds required to predict the impact of this variant on STAT3 protein function. In summary, the available evidence is currently insufficient to determine the role of this variant in disease. Therefore, it has been classified as a Variant of Uncertain Significance.

NM_139276.3(STAT3):c.208C>T (p.Arg70Cys)

Gene: STAT3 (signal transducer and activator of transcription 3; minus strand). Cytogenetic location: 17q21.2.
Variant type: single nucleotide variant.
Coding change: c.208C>T on transcript NM_139276.3 (MANE Select); coding-DNA position 208, C replaced by T.
Protein change: p.Arg70Cys; replaces arginine 70 with cysteine.
Molecular consequence: missense variant.
Genome position (GRCh38, 1-based): chr17:42,346,634, G>A on the plus strand (C>T on the coding strand, the complement: STAT3 is on the minus strand). VCF-style: chr17-42346634-G-A. GRCh37 (hg19) VCF-style: chr17-40498652-G-A.
Other names: c.208C>T, p.Arg70Cys (NM_001369512.1, NM_001369513.1, NM_001369514.1 and 17 more transcripts); short protein forms R70C.
Identifiers: ClinVar variation 2928342 (VCV002928342.3), dbSNP rs2144992202, ClinGen allele CA399596967.